The following is an entry in ClinVar:

NM_001145252.3(CFP):c.611C>T (p.Pro204Leu)

Gene: CFP (complement factor properdin; minus strand). Cytogenetic location: Xp11.23.
Variant type: single nucleotide variant.
Coding change: c.611C>T on transcript NM_001145252.3 (MANE Select); coding-DNA position 611, C replaced by T.
Protein change: p.Pro204Leu; replaces proline 204 with leucine.
Molecular consequence: missense variant.
Genome position (GRCh38, 1-based): chrX:47,627,296, G>A on the plus strand (C>T on the coding strand, the complement: CFP is on the minus strand). VCF-style: chrX-47627296-G-A. GRCh37 (hg19) VCF-style: chrX-47486695-G-A.
Other names: c.611C>T, p.Pro204Leu (NM_002621.2); short protein forms P204L.
Identifiers: ClinVar variation 729229 (VCV000729229.12), dbSNP rs8177076, ClinGen allele CA10398928.

ClinVar aggregate classification (germline): Benign/Likely benign. Review status: criteria provided, multiple submitters, no conflicts (2 of 4 stars). 3 submissions from 3 submitters: Benign (2); Likely benign (1). Last evaluated 2026-02-06.

Allele frequency attached by ClinVar (database versions not stated): TOPMed 0.00764; ESP Exome Variant Server 0.00834; 1000 Genomes Project 0.01139; 1000 Genomes Project 30x 0.01145.

Submissions (3):

Women's Health and Genetics/Laboratory Corporation of America, LabCorp
Classification: Likely benign. Last evaluated: 2026-02-06. Review status: criteria provided, single submitter. Criteria: LabCorp Variant Classification Summary - May 2015. Collection method: clinical testing. Allele origin: germline.
Comment: Variant summary: CFP c.611C>T (p.Pro204Leu) results in a non-conservative amino acid change in the encoded protein sequence. Algorithms developed to predict the effect of missense changes on protein structure and function are either unavailable or do not agree on the potential impact of this missense change. The variant allele was found at a frequency of 0.0022 in 165672 control chromosomes, predominantly at a frequency of 0.026 within the African or African-American subpopulation in the gnomAD database, including 5 homozygotes. The observed variant frequency within African or African-American control individuals in the gnomAD database exceeds the estimated maximal expected allele frequency for disease-causing variants in CFP. To our knowledge, no occurrence of c.611C>T in individuals affected with CFP-related conditions and no experimental evidence demonstrating its impact on protein function have been reported. ClinVar contains an entry for this variant (Variation ID: 729229). Based on the evidence outlined above, the variant was classified as likely benign.

Labcorp Genetics (formerly Invitae), Labcorp
Classification: Benign. Last evaluated: 2026-01-28. Review status: criteria provided, single submitter. Criteria: Invitae Variant Classification Sherloc (09022015). Collection method: clinical testing. Allele origin: germline.

Breakthrough Genomics
Classification: Benign. Review status: criteria provided, single submitter. Criteria: ACMG Guidelines, 2015. Collection method: not provided. Allele origin: germline. Inheritance: X-linked inheritance. Affected: yes.